The following is an entry in ClinVar:

NM_001378454.1(ALMS1):c.6397G>T (p.Val2133Leu)

Gene: ALMS1 (ALMS1 centrosome and basal body associated protein; plus strand). Cytogenetic location: 2p13.1.
Variant type: single nucleotide variant.
Coding change: c.6397G>T on transcript NM_001378454.1 (MANE Select); coding-DNA position 6397, G replaced by T.
Protein change: p.Val2133Leu; replaces valine 2133 with leucine.
Molecular consequence: missense variant.
Genome position (GRCh38, 1-based): chr2:73,452,924, G>T. VCF-style: chr2-73452924-G-T. GRCh37 (hg19) VCF-style: chr2-73680051-G-T.
Other names: c.6400G>T, p.Val2134Leu (NM_015120.4); short protein forms V2133L, V2134L.
Identifiers: ClinVar variation 2145127 (VCV002145127.4), dbSNP rs1247483222, ClinGen allele CA347285924.
Genomic context (GRCh38, chr2:73,452,924, plus strand): 5'-CATGTAACTGAAGATGTGCTGAAGGTTTCAACAATTCCTGGACCAGCTGGCCAGAAAACA[G>T]TATTACCAACAGCTCTTCCTAGTTCCTTTTCACATCGAGAGAAACCAGATATTTTCTATC-3'
Protein context (NP_001365383.1, residues 2123-2143): TIPGPAGQKT[Val2133Leu]LPTALPSSFS

ClinVar aggregate classification (germline): Uncertain significance (1 of 4 stars; one submission).

Conditions:
Alstrom syndrome (ALMS). Identifiers: Orphanet 64, MedGen C0268425, MONDO:0008763, OMIM 203800.

Allele frequency attached by ClinVar (database versions not stated): gnomAD exomes below 0.00001; gnomAD 0.00001.
gnomAD v4.1: 2 of 1,613,676 alleles (0.00012%); highest among the groups gnomAD compares: Non-Finnish European, 0.00017%; no homozygotes.

Submission:

Labcorp Genetics (formerly Invitae), Labcorp
Classification: Uncertain significance for Alstrom syndrome. Last evaluated: 2022-07-02. Review status: criteria provided, single submitter. Criteria: Invitae Variant Classification Sherloc (09022015). Collection method: clinical testing. Allele origin: germline.
Comment: In summary, the available evidence is currently insufficient to determine the role of this variant in disease. Therefore, it has been classified as a Variant of Uncertain Significance. Experimental studies and prediction algorithms are not available or were not evaluated, and the functional significance of this variant is currently unknown. This variant has not been reported in the literature in individuals affected with ALMS1-related conditions. This variant is present in population databases (no rsID available, gnomAD 0.0009%). This sequence change replaces valine, which is neutral and non-polar, with leucine, which is neutral and non-polar, at codon 2134 of the ALMS1 protein (p.Val2134Leu).